The following is an entry in ClinVar:

NM_001267550.2(TTN):c.86560del (p.Val28854fs)

Genes: TTN (titin; minus strand), TTN-AS1 (TTN antisense RNA 1; plus strand). Cytogenetic location: 2q31.2.
Variant type: Deletion.
Coding change: c.86560del on transcript NM_001267550.2 (MANE Select); coding-DNA position 86560, one base deleted (G; older notation c.86560delG).
Protein change: p.Val28854fs; shifts the reading frame from valine 28854.
Molecular consequence: frameshift variant.
Genome position (GRCh38, 1-based): chr2:178,559,572, C deleted on the plus strand (G on the coding strand, the reverse complement: TTN is on the minus strand). VCF-style (leftmost placement, unchanged base first): chr2-178559571-AC-A. GRCh37 (hg19) VCF-style: chr2-179424298-AC-A.
Other names: c.81637del, p.Val27213fs (NM_001256850.1); c.59365del, p.Val19789fs (NM_003319.4); c.78856del, p.Val26286fs (NM_133378.4); c.59740del, p.Val19914fs (NM_133432.3); c.59941del, p.Val19981fs (NM_133437.4); short protein forms V19789fs, V19914fs, V19981fs, V26286fs, V27213fs, V28854fs.
Identifiers: ClinVar variation 3756363 (VCV003756363.2).
Genomic context (GRCh38, chr2:178,559,571, plus strand): 5'-CCACCATCGTTTTCAGGAACATCCCAGGATAACACTGCAGACTCTTTGGTTACATCTTGC[AC>A]AGTAATGTTGGTTGGAGGACCTGGGGTATCTAAAACTTTGACAACTAAGGTCAGTGAAGC-3'

ClinVar aggregate classification (germline): Likely pathogenic (1 of 4 stars; one submission).

Conditions:
Dilated cardiomyopathy 1G (CMD1G). Identifiers: Orphanet 154, MedGen C1858763, MONDO:0011400, OMIM 604145.
Autosomal recessive limb-girdle muscular dystrophy type 2J (LGMDR10). Also called: Limb-girdle muscular dystrophy, type 2J; MUSCULAR DYSTROPHY, LIMB-GIRDLE, AUTOSOMAL RECESSIVE 10. Identifiers: Orphanet 140922, MedGen C1837342, MONDO:0012127, OMIM 608807.

Submission:

Labcorp Genetics (formerly Invitae), Labcorp
Classification: Likely pathogenic for Dilated cardiomyopathy 1G; Autosomal recessive limb-girdle muscular dystrophy type 2J. Last evaluated: 2024-05-21. Review status: criteria provided, single submitter. Criteria: Invitae Variant Classification Sherloc (09022015). Collection method: clinical testing. Allele origin: germline.
Comment: This sequence change creates a premature translational stop signal (p.Val28854Cysfs*4) in the TTN gene. While this is not anticipated to result in nonsense mediated decay, it is expected to create a truncated TTN protein. This variant is not present in population databases (gnomAD no frequency). This premature translational stop signal has been observed in individual(s) with dilated cardiomyopathy (Invitae). This variant is located in the A band of TTN (PMID: 25589632). Truncating variants in this region are significantly overrepresented in patients affected with dilated cardiomyopathy (PMID: 25589632). Truncating variants in this region have also been reported in individuals affected with autosomal recessive centronuclear myopathy (PMID: 23975875). In summary, the currently available evidence indicates that the variant is pathogenic, but additional data are needed to prove that conclusively. Therefore, this variant has been classified as Likely Pathogenic.

Literature cited by the submitters: PubMed 25589632; PubMed 23975875.